The following is an entry in ClinVar:

ClinVar aggregate classification (germline): Uncertain significance (1 of 4 stars; one submission).

Conditions:
Familial melanoma. Also called: Hereditary melanoma; Hereditary cutaneous melanoma. Identifiers: Orphanet 618, MedGen C1512419, MONDO:0018961.

Submission:

Labcorp Genetics (formerly Invitae), Labcorp
Classification: Uncertain significance for Familial melanoma. Last evaluated: 2021-01-19. Review status: criteria provided, single submitter. Criteria: Invitae Variant Classification Sherloc (09022015). Collection method: clinical testing. Allele origin: germline.
Comment: This sequence change creates a premature translational stop signal (p.Lys35Argfs*3) in the CDK4 gene. It is expected to result in an absent or disrupted protein product. However, the current clinical and genetic evidence is not sufficient to establish whether loss-of-function variants in CDK4 cause disease. This variant is not present in population databases (ExAC no frequency). This variant has not been reported in the literature in individuals with CDK4-related conditions. Algorithms developed to predict the effect of sequence changes on RNA splicing suggest that this variant may create or strengthen a splice site, but this prediction has not been confirmed by published transcriptional studies. In summary, the available evidence is currently insufficient to determine the role of this variant in disease. Therefore, it has been classified as a Variant of Uncertain Significance.

NM_000075.4(CDK4):c.104del (p.Lys35fs)

Gene: CDK4 (cyclin dependent kinase 4; minus strand). Cytogenetic location: 12q14.1.
Variant type: Deletion.
Coding change: c.104del on transcript NM_000075.4 (MANE Select); coding-DNA position 104, one base deleted (A; older notation c.104delA).
Protein change: p.Lys35fs; shifts the reading frame from lysine 35.
Molecular consequence: frameshift variant.
Genome position (GRCh38, 1-based): chr12:57,751,614, T deleted on the plus strand (A on the coding strand, the reverse complement: CDK4 is on the minus strand); the first of 2 consecutive T bases (chr12:57,751,614-57,751,615); deleting either gives the same sequence. VCF-style (leftmost placement, unchanged base first): chr12-57751613-CT-C. GRCh37 (hg19) VCF-style: chr12-58145396-CT-C.
Other names: short protein forms K35fs.
Identifiers: ClinVar variation 1404592 (VCV001404592.6), dbSNP rs2140388479, ClinGen allele CA2573148918.